The following is an entry in ClinVar:

NM_003200.5(TCF3):c.1267G>A (p.Gly423Arg)

Gene: TCF3 (transcription factor 3; minus strand). Cytogenetic location: 19p13.3.
Variant type: single nucleotide variant.
Coding change: c.1267G>A on transcript NM_003200.5 (MANE Select); coding-DNA position 1267, G replaced by A.
Protein change: p.Gly423Arg; replaces glycine 423 with arginine.
Molecular consequence: missense variant.
Genome position (GRCh38, 1-based): chr19:1,619,375, C>T on the plus strand (G>A on the coding strand, the complement: TCF3 is on the minus strand). VCF-style: chr19-1619375-C-T. GRCh37 (hg19) VCF-style: chr19-1619374-C-T.
Other names: c.1267G>A, p.Gly423Arg (NM_001136139.4, NM_001351779.2); c.1264G>A, p.Gly422Arg (NM_001351778.2); c.1267G>A (NM_003200.3); short protein forms G422R, G423R.
Identifiers: ClinVar variation 1523366 (VCV001523366.9), dbSNP rs753007864, ClinGen allele CA9049955.

ClinVar aggregate classification (germline): Uncertain significance. Review status: criteria provided, multiple submitters, no conflicts (2 of 4 stars). 2 submissions from 2 submitters: Uncertain significance (2). Last evaluated 2025-10-29.

Conditions:
Inborn genetic diseases. Identifiers: MedGen C0950123, MeSH D030342.

Allele frequency attached by ClinVar (database versions not stated): gnomAD 0.00003 and 0.00004; TOPMed 0.00004.
gnomAD v4.1: 30 of 1,590,420 alleles (0.0019%); highest among the groups gnomAD compares: African/African-American, 0.008%; no homozygotes.

Submissions (2):

Labcorp Genetics (formerly Invitae), Labcorp
Classification: Uncertain significance. Last evaluated: 2025-10-29. Review status: criteria provided, single submitter. Criteria: Invitae Variant Classification Sherloc (09022015). Collection method: clinical testing. Allele origin: germline.
Comment: This sequence change replaces glycine, which is neutral and non-polar, with arginine, which is basic and polar, at codon 423 of the TCF3 protein (p.Gly423Arg). This variant is present in population databases (rs753007864, gnomAD 0.01%). This variant has not been reported in the literature in individuals affected with TCF3-related conditions. ClinVar contains an entry for this variant (Variation ID: 1523366). Invitae Evidence Modeling of protein sequence and biophysical properties (such as structural, functional, and spatial information, amino acid conservation, physicochemical variation, residue mobility, and thermodynamic stability) has been performed for this missense variant. However, the output from this modeling did not meet the statistical confidence thresholds required to predict the impact of this variant on TCF3 protein function. In summary, the available evidence is currently insufficient to determine the role of this variant in disease. Therefore, it has been classified as a Variant of Uncertain Significance.

Ambry Genetics
Classification: Uncertain significance for Inborn genetic diseases. Last evaluated: 2025-05-01. Review status: criteria provided, single submitter. Criteria: Ambry Variant Classification Scheme 2023. Collection method: clinical testing. Allele origin: germline.